The following is an entry in ClinVar:

NM_030957.4(ADAMTS10):c.3156G>A (p.Gln1052=)

Gene: ADAMTS10 (ADAM metallopeptidase with thrombospondin type 1 motif 10; minus strand). Cytogenetic location: 19p13.2.
Variant type: single nucleotide variant.
Coding change: c.3156G>A on transcript NM_030957.4 (MANE Select); coding-DNA position 3156, G replaced by A.
Protein change: p.Gln1052=; no amino-acid change (glutamine 1052 retained).
Molecular consequence: synonymous variant.
Genome position (GRCh38, 1-based): chr19:8,584,941, C>T on the plus strand (G>A on the coding strand, the complement: ADAMTS10 is on the minus strand). VCF-style: chr19-8584941-C-T. GRCh37 (hg19) VCF-style: chr19-8649825-C-T.
Other names: c.1617G>A, p.Gln539= (NM_001282352.2).
Identifiers: ClinVar variation 4874910 (VCV004874910.2).

ClinVar aggregate classification (germline): Likely benign (1 of 4 stars; one submission).

gnomAD v4.1: 2 of 1,548,768 alleles (0.00013%); highest among the groups gnomAD compares: Non-Finnish European, 0.00017%; no homozygotes.

Submission:

CeGaT Center for Human Genetics Tuebingen
Classification: Likely benign. Last evaluated: 2026-05-01. Review status: criteria provided, single submitter. Criteria: CeGaT Center For Human Genetics Tuebingen Variant Classification Criteria Version 2. Collection method: clinical testing. Allele origin: germline. Affected: yes. Observed: 1 variant allele.
Comment: ADAMTS10: BP4, BP7